The following is an entry in ClinVar:

NM_002834.5(PTPN11):c.604A>T (p.Met202Leu)

Gene: PTPN11 (protein tyrosine phosphatase non-receptor type 11; plus strand). Cytogenetic location: 12q24.13.
Variant type: single nucleotide variant.
Coding change: c.604A>T on transcript NM_002834.5 (MANE Select); coding-DNA position 604, A replaced by T.
Protein change: p.Met202Leu; replaces methionine 202 with leucine.
Molecular consequence: missense variant.
Genome position (GRCh38, 1-based): chr12:112,454,642, A>T. VCF-style: chr12-112454642-A-T. GRCh37 (hg19) VCF-style: chr12-112892446-A-T.
Other names: c.604A>T, p.Met202Leu (NM_001330437.2, NM_080601.3); c.601A>T, p.Met201Leu (NM_001374625.1); short protein forms M201L, M202L.
Identifiers: ClinVar variation 2038883 (VCV002038883.4), dbSNP rs2038126694, ClinGen allele CA386782461.
Genomic context (GRCh38, chr12:112,454,642, plus strand): 5'-GGTGGAGGAGAACGGTTTGATTCTTTGACAGATCTTGTGGAACATTATAAGAAGAATCCT[A>T]TGGTGGAAACATTGGGTACAGTACTACAACTCAAGCAGGTGAGCAGATTGGAAAGCTCAA-3'
Protein context (NP_002825.3, residues 192-212): DLVEHYKKNP[Met202Leu]VETLGTVLQL

ClinVar aggregate classification (germline): Uncertain significance (1 of 4 stars; one submission).

Conditions:
RASopathy. Also called: rasopathies; Noonan spectrum disorder. Identifiers: Orphanet 536391, MedGen C5555857, MONDO:0021060.

Allele frequency attached by ClinVar (database versions not stated): TOPMed below 0.00001.
gnomAD v4.1: 1 of 1,613,792 alleles (0.000062%); highest among the groups gnomAD compares: Non-Finnish European, 0.000085%; no homozygotes.

Submission:

Labcorp Genetics (formerly Invitae), Labcorp
Classification: Uncertain significance for RASopathy. Last evaluated: 2021-12-09. Review status: criteria provided, single submitter. Criteria: Invitae Variant Classification Sherloc (09022015). Collection method: clinical testing. Allele origin: germline.
Comment: In summary, the available evidence is currently insufficient to determine the role of this variant in disease. Therefore, it has been classified as a Variant of Uncertain Significance. Advanced modeling of protein sequence and biophysical properties (such as structural, functional, and spatial information, amino acid conservation, physicochemical variation, residue mobility, and thermodynamic stability) performed at Invitae indicates that this missense variant is not expected to disrupt PTPN11 protein function. This variant has not been reported in the literature in individuals affected with PTPN11-related conditions. This variant is not present in population databases (gnomAD no frequency). This sequence change replaces methionine, which is neutral and non-polar, with leucine, which is neutral and non-polar, at codon 202 of the PTPN11 protein (p.Met202Leu).